The following is an entry in ClinVar:

NM_000275.3(OCA2):c.163dup (p.Ala55fs)

Gene: OCA2 (OCA2 melanosomal transmembrane protein; minus strand). Cytogenetic location: 15q13.1.
Variant type: Duplication.
Coding change: c.163dup on transcript NM_000275.3 (MANE Select); coding-DNA position 163, one base duplicated (G; older notation c.163dupG).
Protein change: p.Ala55fs; shifts the reading frame from alanine 55.
Molecular consequence: frameshift variant.
Genome position (GRCh38, 1-based): chr15:28,081,712, C duplicated on the plus strand (G on the coding strand, the reverse complement: OCA2 is on the minus strand); the first of 6 consecutive C bases (chr15:28,081,712-28,081,717); duplicating any one gives the same sequence. VCF-style (leftmost placement, unchanged base first): chr15-28081711-G-GC. GRCh37 (hg19) VCF-style: chr15-28326857-G-GC.
Other names: c.163dup, p.Ala55fs (NM_001300984.2); short protein forms A55fs.
Identifiers: ClinVar variation 1705444 (VCV001705444.6), dbSNP rs1254334474, ClinGen allele CA617086284.
Genomic context (GRCh38, chr15:28,081,711, plus strand): 5'-CCTTTTGTGAGGAATGAAGCAAACTCCTGGCCTGCAGGAGCCCAAGAGCTCTGCCCGGCA[G>GC]CCCCCCTGGGGCAGGAGTGCGAGGGGTCAGCTCCACCGGCTCCCCGAGGAAGCCTGCGCT-3'

ClinVar aggregate classification (germline): Pathogenic/Likely pathogenic. Review status: criteria provided, multiple submitters, no conflicts (2 of 4 stars). 4 submissions from 4 submitters: Pathogenic (1); Likely pathogenic (3). Last evaluated 2024-09-28.

Conditions:
SKIN/HAIR/EYE PIGMENTATION 1, BLUE/NONBLUE EYES (SHEP1). Also called: EYE COLOR 3; EYE COLOR, BLUE/NONBLUE; EYE COLOR, BROWN/BLUE; HAIR COLOR 3; SKIN/HAIR/EYE PIGMENTATION 1, BLOND/BROWN HAIR; SKIN/HAIR/EYE PIGMENTATION 1, BLUE/BROWN EYES. Identifiers: MedGen C1856895, OMIM 227220.
Tyrosinase-positive oculocutaneous albinism (OCA2). Also called: ALBINISM II; Oculocutaneous albinism type 2; Albinism, oculocutaneous, type II. Identifiers: Orphanet 79432, MedGen C0268495, MONDO:0008746, OMIM 203200.
OCA2-related disorder. Also called: OCA2-related condition.

Submissions (4):

Labcorp Genetics (formerly Invitae), Labcorp
Classification: Pathogenic. Last evaluated: 2024-09-28. Review status: criteria provided, single submitter. Criteria: Invitae Variant Classification Sherloc (09022015). Collection method: clinical testing. Allele origin: germline.
Comment: This sequence change creates a premature translational stop signal (p.Ala55Glyfs*36) in the OCA2 gene. It is expected to result in an absent or disrupted protein product. Loss-of-function variants in OCA2 are known to be pathogenic (PMID: 19865097, 21541274). This variant is present in population databases (no rsID available, gnomAD 0.0009%). This premature translational stop signal has been observed in individual(s) with oculocutaneous albinism (PMID: 30414346). ClinVar contains an entry for this variant (Variation ID: 1705444). For these reasons, this variant has been classified as Pathogenic.

Blueprint Genetics
Classification: Likely pathogenic for OCA2-related disorders. Last evaluated: 2023-08-03. Review status: criteria provided, single submitter. Criteria: ACMG Guidelines, 2015. Collection method: clinical testing. Allele origin: germline. Affected: yes. Observed: 3 variant alleles.

Baylor Genetics
Classification: Likely pathogenic for SKIN/HAIR/EYE PIGMENTATION 1, BLUE/NONBLUE EYES. Last evaluated: 2023-06-05. Review status: criteria provided, single submitter. Criteria: ACMG Guidelines, 2015. Collection method: clinical testing. Allele origin: unknown.

3billion
Classification: Likely pathogenic for Tyrosinase-positive oculocutaneous albinism. Last evaluated: 2022-09-01. Review status: criteria provided, single submitter. Criteria: ACMG Guidelines, 2015. Collection method: clinical testing. Allele origin: germline. Affected: yes. Observed: 1 heterozygote.
Comment: The variant is not observed in the gnomAD v2.1.1 dataset. Frameshift variant is predicted to result in a loss or disruption of normal protein function through nonsense-mediated decay (NMD) or protein truncation. Multiple pathogenic variants are reported downstream of the variant. Therefore, this variant is classified as Likely pathogenic according to the recommendation of ACMG/AMP guideline.

Literature cited by the submitters: PubMed 19865097 (cited by Labcorp Genetics (formerly Invitae), Labcorp); PubMed 21541274 (cited by Labcorp Genetics (formerly Invitae), Labcorp); PubMed 30414346 (cited by Labcorp Genetics (formerly Invitae), Labcorp).